The following is an entry in ClinVar:

ClinVar aggregate classification (germline): Conflicting classifications of pathogenicity. Review status: criteria provided, conflicting classifications (1 of 4 stars). 2 submissions from 2 submitters: Likely pathogenic (1); Uncertain significance (1). Last evaluated 2022-09-23.

Conditions:
Usher syndrome type 1 (USH1). Also called: RETINITIS PIGMENTOSA AND CONGENITAL DEAFNESS. Identifiers: Orphanet 231169, Orphanet 886, MedGen C1568247, MONDO:0010168, OMIM 276900.

Allele frequency attached by ClinVar (database versions not stated): TOPMed below 0.00001; ExAC 0.00003; ESP Exome Variant Server 0.00008.
gnomAD v4.1: 13 of 1,612,124 alleles (0.00081%); highest among the groups gnomAD compares: Non-Finnish European, 0.001%; no homozygotes.

Submissions (2):

Labcorp Genetics (formerly Invitae), Labcorp
Classification: Uncertain significance. Last evaluated: 2022-09-23. Review status: criteria provided, single submitter. Criteria: Invitae Variant Classification Sherloc (09022015). Collection method: clinical testing. Allele origin: germline.
Comment: This sequence change replaces alanine, which is neutral and non-polar, with valine, which is neutral and non-polar, at codon 26 of the MYO7A protein (p.Ala26Val). This variant is present in population databases (rs369125667, gnomAD 0.007%). This variant has not been reported in the literature in individuals affected with MYO7A-related conditions. Advanced modeling of protein sequence and biophysical properties (such as structural, functional, and spatial information, amino acid conservation, physicochemical variation, residue mobility, and thermodynamic stability) performed at Invitae indicates that this missense variant is not expected to disrupt MYO7A protein function. This variant disrupts the p.Ala26 amino acid residue in MYO7A. Other variant(s) that disrupt this residue have been determined to be pathogenic (PMID: 10930322, 22135276; Invitae). This suggests that this residue is clinically significant, and that variants that disrupt this residue are likely to be disease-causing. In summary, the available evidence is currently insufficient to determine the role of this variant in disease. Therefore, it has been classified as a Variant of Uncertain Significance.

Kariminejad - Najmabadi Pathology & Genetics Center
Classification: Likely pathogenic for Usher syndrome type 1. Review status: criteria provided, single submitter. Criteria: ACMG Guidelines, 2015. Collection method: clinical testing. Allele origin: germline. Affected: no.

Literature cited by the submitters: PubMed 10930322 (cited by Labcorp Genetics (formerly Invitae), Labcorp); PubMed 22135276 (cited by Labcorp Genetics (formerly Invitae), Labcorp).

NM_000260.4(MYO7A):c.77C>T (p.Ala26Val)

Gene: MYO7A (myosin VIIA; plus strand). Cytogenetic location: 11q13.5.
Variant type: single nucleotide variant.
Coding change: c.77C>T on transcript NM_000260.4 (MANE Select); coding-DNA position 77, C replaced by T.
Protein change: p.Ala26Val; replaces alanine 26 with valine.
Molecular consequence: missense variant.
Genome position (GRCh38, 1-based): chr11:77,142,767, C>T. VCF-style: chr11-77142767-C-T. GRCh37 (hg19) VCF-style: chr11-76853813-C-T.
Other names: c.77C>T, p.Ala26Val (NM_001127180.2); c.44C>T, p.Ala15Val (NM_001369365.1); short protein forms A15V, A26V.
Identifiers: ClinVar variation 2191756 (VCV002191756.2), dbSNP rs369125667, ClinGen allele CA6197021.